The following is an entry in ClinVar:

ClinVar aggregate classification (germline): Uncertain significance (1 of 4 stars; one submission).

Submission:

Women's Health and Genetics/Laboratory Corporation of America, LabCorp
Classification: Uncertain significance. Last evaluated: 2025-04-24. Review status: criteria provided, single submitter. Criteria: LabCorp Variant Classification Summary - May 2015. Collection method: clinical testing. Allele origin: germline.
Comment: Variant summary: MAGEL2 c.2203C>G (p.Arg735Gly) results in a non-conservative amino acid change in the encoded protein sequence. One of two in-silico tools predict a benign effect of the variant on protein function. The variant was absent in 1606520 control chromosomes in the gnomAD database (v4.1 dataset). The available data on variant occurrences in the general population are insufficient to allow any conclusion about variant significance. To our knowledge, no occurrence of c.2203C>G in individuals affected with Schaaf-Yang Syndrome and no experimental evidence demonstrating its impact on protein function have been reported. No submitters have cited clinical-significance assessments for this variant to ClinVar. Based on the evidence outlined above, the variant was classified as uncertain significance.

NM_019066.5(MAGEL2):c.2203C>G (p.Arg735Gly)

Gene: MAGEL2 (MAGE family member L2; minus strand). Cytogenetic location: 15q11.2.
Variant type: single nucleotide variant.
Coding change: c.2203C>G on transcript NM_019066.5 (MANE Select); coding-DNA position 2203, C replaced by G.
Protein change: p.Arg735Gly; replaces arginine 735 with glycine.
Molecular consequence: missense variant.
Genome position (GRCh38, 1-based): chr15:23,645,540, G>C on the plus strand (C>G on the coding strand, the complement: MAGEL2 is on the minus strand). VCF-style: chr15-23645540-G-C. GRCh37 (hg19) VCF-style: chr15-23890687-G-C.
Other names: short protein forms R735G.
Identifiers: ClinVar variation 3896644 (VCV003896644.2).